The following is an entry in ClinVar:

ClinVar aggregate classification (germline): Pathogenic/Likely pathogenic. Review status: criteria provided, multiple submitters, no conflicts (2 of 4 stars). 3 submissions from 3 submitters: Pathogenic (2); Likely pathogenic (1). Last evaluated 2025-08-27.

Conditions:
Neurofibromatosis, type 1 (NF1). Also called: VON RECKLINGHAUSEN DISEASE; NEUROFIBROMATOSIS, TYPE I, SOMATIC; Neurofibromatosis, type I; Peripheral type neurofibromatosis. Identifiers: Orphanet 636, MedGen C0027831, MONDO:0018975, OMIM 162200. Disease mechanism: loss of function.
Hereditary cancer-predisposing syndrome. Also called: Tumor predisposition; Hereditary neoplastic syndrome; Neoplastic Syndromes, Hereditary; Hereditary Cancer Syndrome. Identifiers: Orphanet 140162, MedGen C0027672, MeSH D009386, MONDO:0015356.
Cardiovascular phenotype. Identifiers: MedGen CN230736.

Submissions (3):

GeneDx
Classification: Pathogenic. Last evaluated: 2025-08-27. Review status: criteria provided, single submitter. Criteria: GeneDx Variant Classification Process June 2021. Collection method: clinical testing. Allele origin: germline. Affected: yes.
Comment: Canonical splice site variant predicted to result in a null allele in a gene for which loss of function is a known mechanism of disease; Not observed at significant frequency in large population cohorts (gnomAD); Has not been previously published as pathogenic or benign to our knowledge

Ambry Genetics
Classification: Likely pathogenic for Cardiovascular phenotype; Hereditary cancer-predisposing syndrome. Last evaluated: 2022-12-28. Review status: criteria provided, single submitter. Criteria: Ambry Variant Classification Scheme 2023. Collection method: clinical testing. Allele origin: germline.
Comment: The c.7395-1G>T intronic variant results from a G to T substitution one nucleotide upstream from coding exon 50 of the NF1 gene. This variant is considered to be rare based on population cohorts in the Genome Aggregation Database (gnomAD). This nucleotide position is highly conserved in available vertebrate species. In silico splice site analysis predicts that this alteration will weaken the native splice acceptor site and will result in the creation or strengthening of a novel splice acceptor site; however, direct evidence is insufficient at this time (Ambry internal data). Alterations that disrupt the canonical splice site are expected to cause aberrant splicing, resulting in an abnormal protein or a transcript that is subject to nonsense-mediated mRNA decay. As such, this alteration is classified as likely pathogenic.

Labcorp Genetics (formerly Invitae), Labcorp
Classification: Pathogenic for Neurofibromatosis, type 1. Last evaluated: 2022-09-09. Review status: criteria provided, single submitter. Criteria: Invitae Variant Classification Sherloc (09022015). Collection method: clinical testing. Allele origin: germline.
Comment: This sequence change affects an acceptor splice site in intron 49 of the NF1 gene. It is expected to disrupt RNA splicing. Variants that disrupt the donor or acceptor splice site typically lead to a loss of protein function (PMID: 16199547), and loss-of-function variants in NF1 are known to be pathogenic (PMID: 10712197, 23913538). This variant is not present in population databases (gnomAD no frequency). Disruption of this splice site has been observed in individual(s) with neurofibromatosis type 1 (PMID: 10712197, 31533651). Algorithms developed to predict the effect of sequence changes on RNA splicing suggest that this variant may disrupt the consensus splice site. For these reasons, this variant has been classified as Pathogenic.

Literature cited by the submitters: PubMed 16199547 (cited by Labcorp Genetics (formerly Invitae), Labcorp); PubMed 10712197 (cited by Labcorp Genetics (formerly Invitae), Labcorp); PubMed 23913538 (cited by Labcorp Genetics (formerly Invitae), Labcorp); PubMed 31533651 (cited by Labcorp Genetics (formerly Invitae), Labcorp).

NM_001042492.3(NF1):c.7458-1G>T

Gene: NF1 (neurofibromin 1; plus strand). Cytogenetic location: 17q11.2.
Variant type: single nucleotide variant.
Coding change: c.7458-1G>T on transcript NM_001042492.3 (MANE Select); the canonical splice acceptor site of the intron before coding-DNA position 7458, G replaced by T.
Molecular consequence: splice acceptor variant.
Genome position (GRCh38, 1-based): chr17:31,352,256, G>T. VCF-style: chr17-31352256-G-T. GRCh37 (hg19) VCF-style: chr17-29679274-G-T.
Other names: c.7395-1G>T (NM_000267.4).
Identifiers: ClinVar variation 2029527 (VCV002029527.7), dbSNP rs1597862012, ClinGen allele CA399017389.